The following is an entry in ClinVar:

ClinVar aggregate classification (germline): Uncertain significance (1 of 4 stars; one submission).

Conditions:
BDNF-related disorder. Also called: BDNF-related condition.

Submission:

PreventionGenetics, part of Exact Sciences
Classification: Uncertain significance for BDNF-related condition. Last evaluated: 2024-12-31. Review status: criteria provided, single submitter. Criteria: ACMG Guidelines, 2015. Collection method: clinical testing. Allele origin: germline.
Comment: The BDNF c.100T>G variant is predicted to result in the amino acid substitution p.Cys34Gly. To our knowledge, this variant has not been reported in the literature or in a large population database (gnomAD), indicating this variant is rare. At this time, the clinical significance of this variant is uncertain due to the absence of conclusive functional and genetic evidence.

NM_001709.5(BDNF):c.-21-15600T>G

Genes: BDNF (brain derived neurotrophic factor; minus strand), BDNF-AS (BDNF antisense RNA; plus strand). Cytogenetic location: 11p14.1.
Variant type: single nucleotide variant.
Coding change: c.-21-15600T>G on transcript NM_001709.5 (MANE Select); 15600 bases into the intron before 21 bases upstream of the start codon, T replaced by G.
Molecular consequence: intron variant. On other transcripts: missense variant (1), 5 prime UTR variant (1).
Genome position (GRCh38, 1-based): chr11:27,674,185, A>C on the plus strand (T>G on the coding strand, the complement: BDNF is on the minus strand). VCF-style: chr11-27674185-A-C. GRCh37 (hg19) VCF-style: chr11-27695732-A-C.
Other names: c.100T>G, p.Cys34Gly (NM_001143810.2); c.-264T>G (NM_001143811.2); c.4-15600T>G (NM_170731.5); c.-21-15600T>G (NM_001143805.1, NM_001143806.1, NM_170732.4 and 5 more transcripts); c.67-15600T>G (NM_001143809.2); c.-128-15259T>G (NM_001143814.2); c.25-15600T>G (NM_170734.4); short protein forms C34G.
Identifiers: ClinVar variation 5001444 (VCV005001444.1).
Genomic context (GRCh38, chr11:27,674,185, plus strand): 5'-AGCCCTTCTTCTGGGATGCACAGTCATGCCATACAGAAGCGTGTGGGTAGACGCCAAAAC[A>C]TGTGTGGACCTGCAACCCTTTCTGTAGAAACTCAGCATTCTGAGTAGTAACAAGGATTAA-3'